The following is an entry in ClinVar:

ClinVar aggregate classification (germline): Uncertain significance (1 of 4 stars; one submission).

Conditions:
Glycine encephalopathy. Also called: Non-ketotic hyperglycinemia; Nonketotic hyperglycinemia. Identifiers: Orphanet 407, MedGen C0751748, MONDO:0011612, HP:0008288.

Allele frequency attached by ClinVar (database versions not stated): ESP Exome Variant Server 0.00008.

Submission:

Labcorp Genetics (formerly Invitae), Labcorp
Classification: Uncertain significance for Glycine encephalopathy. Last evaluated: 2022-01-21. Review status: criteria provided, single submitter. Criteria: Invitae Variant Classification Sherloc (09022015). Collection method: clinical testing. Allele origin: germline.
Comment: This sequence change replaces alanine, which is neutral and non-polar, with threonine, which is neutral and polar, at codon 313 of the GLDC protein (p.Ala313Thr). This variant is present in population databases (rs386833592, gnomAD 0.007%). This variant has not been reported in the literature in individuals affected with GLDC-related conditions. Algorithms developed to predict the effect of missense changes on protein structure and function are either unavailable or do not agree on the potential impact of this missense change (SIFT: "Tolerated"; PolyPhen-2: "Possibly Damaging"; Align-GVGD: "Class C0"). In summary, the available evidence is currently insufficient to determine the role of this variant in disease. Therefore, it has been classified as a Variant of Uncertain Significance.

NM_000170.3(GLDC):c.937G>A (p.Ala313Thr)

Gene: GLDC (glycine decarboxylase; minus strand). Cytogenetic location: 9p24.1.
Variant type: single nucleotide variant.
Coding change: c.937G>A on transcript NM_000170.3 (MANE Select); coding-DNA position 937, G replaced by A.
Protein change: p.Ala313Thr; replaces alanine 313 with threonine.
Molecular consequence: missense variant.
Genome position (GRCh38, 1-based): chr9:6,604,709, C>T on the plus strand (G>A on the coding strand, the complement: GLDC is on the minus strand). VCF-style: chr9-6604709-C-T. GRCh37 (hg19) VCF-style: chr9-6604709-C-T.
Other names: short protein forms A313T.
Identifiers: ClinVar variation 2151396 (VCV002151396.1), dbSNP rs386833592, ClinGen allele CA4980917.